The following is an entry in ClinVar:

NM_000465.4(BARD1):c.93C>T (p.Arg31=)

Gene: BARD1 (BRCA1 associated RING domain 1; minus strand). Cytogenetic location: 2q35.
Variant type: single nucleotide variant.
Coding change: c.93C>T on transcript NM_000465.4 (MANE Select); coding-DNA position 93, C replaced by T.
Protein change: p.Arg31=; no amino-acid change (arginine 31 retained).
Molecular consequence: synonymous variant. On other transcripts: non-coding transcript variant (3).
Genome position (GRCh38, 1-based): chr2:214,809,477, G>A on the plus strand (C>T on the coding strand, the complement: BARD1 is on the minus strand). VCF-style: chr2-214809477-G-A. GRCh37 (hg19) VCF-style: chr2-215674201-G-A.
Other names: c.93C>T, p.Arg31= (NM_001282548.2, NM_001282549.2, NM_001282543.2 and 1 more transcripts).
Identifiers: ClinVar variation 230593 (VCV000230593.21), dbSNP rs778803692, ClinGen allele CA2090517.
Genomic context (GRCh38, chr2:214,809,477, plus strand): 5'-CGAGCAGCGCAGCAGCTTCTCCAGGCGGTCGAGCGCGGCGCGACTGTGGGCCCAGGCACC[G>A]CGACCATCCGGTTCCATGGCGGGCGCGGAACGAGGCTCGTTCCCGGAGCGGATCCTCGGC-3'
Protein context (NP_000456.2, residues 21-41): RSAPAMEPDG[Arg31=]GAWAHSRAAL

ClinVar aggregate classification (germline): Benign/Likely benign. Review status: criteria provided, multiple submitters, no conflicts (2 of 4 stars). 5 submissions from 5 submitters: Benign (1); Likely benign (4). Last evaluated 2025-12-29.

Conditions:
Hereditary cancer-predisposing syndrome. Also called: Neoplastic Syndromes, Hereditary; Tumor predisposition; Hereditary Cancer Syndrome; Hereditary neoplastic syndrome. Identifiers: Orphanet 140162, MedGen C0027672, MeSH D009386, MONDO:0015356.
Familial cancer of breast. Also called: BREAST CANCER, FAMILIAL; hereditary breast carcinoma; Hereditary breast cancer. Identifiers: Orphanet 227535, MedGen C0346153, MONDO:0016419, OMIM 114480. Disease mechanism: loss of function.

Allele frequency attached by ClinVar (database versions not stated): gnomAD exomes 0.00003; TOPMed 0.00006; gnomAD 0.00010.
gnomAD v4.1: 54 of 1,609,794 alleles (0.0034%); highest among the groups gnomAD compares: East Asian, 0.065%; no homozygotes.

Submissions (5):

Labcorp Genetics (formerly Invitae), Labcorp
Classification: Likely benign for Familial cancer of breast. Last evaluated: 2025-12-29. Review status: criteria provided, single submitter. Criteria: Invitae Variant Classification Sherloc (09022015). Collection method: clinical testing. Allele origin: germline.

Myriad Genetics, Inc.
Classification: Benign for Familial cancer of breast. Last evaluated: 2024-07-18. Review status: criteria provided, single submitter. Criteria: Myriad Autosomal Dominant, Autosomal Recessive and X-Linked Classification Criteria (2023). Collection method: clinical testing. Allele origin: unknown.
Comment: This variant is considered benign. This variant is a silent/synonymous amino acid change and it is not expected to impact splicing.

GeneDx
Classification: Likely benign. Last evaluated: 2017-08-02. Review status: criteria provided, single submitter. Criteria: GeneDx Variant Classification (06012015). Collection method: clinical testing. Allele origin: germline. Affected: yes.
Comment: This variant is considered likely benign or benign based on one or more of the following criteria: it is a conservative change, it occurs at a poorly conserved position in the protein, it is predicted to be benign by multiple in silico algorithms, and/or has population frequency not consistent with disease.

Color Diagnostics, LLC DBA Color Health
Classification: Likely benign for Hereditary cancer-predisposing syndrome. Last evaluated: 2016-06-19. Review status: criteria provided, single submitter. Criteria: ACMG Guidelines, 2015. Collection method: clinical testing. Allele origin: germline.

Ambry Genetics
Classification: Likely benign for Hereditary cancer-predisposing syndrome. Last evaluated: 2015-02-27. Review status: criteria provided, single submitter. Criteria: Ambry Variant Classification Scheme 2023. Collection method: clinical testing. Allele origin: germline.